The following is an entry in ClinVar:

NM_001130004.2(ACTN1):c.2649C>G (p.Ile883Met)

Gene: ACTN1 (actinin alpha 1; minus strand). Cytogenetic location: 14q24.1.
Variant type: single nucleotide variant.
Coding change: c.2649C>G on transcript NM_001130004.2 (MANE Select); coding-DNA position 2649, C replaced by G.
Protein change: p.Ile883Met; replaces isoleucine 883 with methionine.
Molecular consequence: missense variant.
Genome position (GRCh38, 1-based): chr14:68,874,955, G>C on the plus strand (C>G on the coding strand, the complement: ACTN1 is on the minus strand). VCF-style: chr14-68874955-G-C. GRCh37 (hg19) VCF-style: chr14-69341672-G-C.
Other names: c.2583C>G, p.Ile861Met (NM_001102.4); c.2568C>G, p.Ile856Met (NM_001130005.2); c.2592C>G, p.Ile864Met (NM_001411035.1); c.2388C>G, p.Ile796Met (NM_001411036.1, NM_001424026.1); c.2712C>G, p.Ile904Met (NM_001424012.1); c.2709C>G, p.Ile903Met (NM_001424013.1); c.2697C>G, p.Ile899Met (NM_001424014.1); c.2670C>G, p.Ile890Met (NM_001424015.1); and 14 more; short protein forms I791M, I796M, I800M, I861M, I904M, I773M, I822M, I843M.
Identifiers: ClinVar variation 3654793 (VCV003654793.3).

ClinVar aggregate classification (germline): Uncertain significance. Review status: criteria provided, multiple submitters, no conflicts (2 of 4 stars). 2 submissions from 2 submitters: Uncertain significance (2). Last evaluated 2026-02-11.

Conditions:
Platelet-type bleeding disorder 15 (BDPLT15). Also called: MACROTHROMBOCYTOPENIA, AUTOSOMAL DOMINANT, ACTN1-RELATED. Identifiers: Orphanet 140957, MedGen C3554663, MONDO:0014078, OMIM 615193.

gnomAD v4.1: 1 of 1,613,710 alleles (0.000062%); highest among the groups gnomAD compares: Non-Finnish European, 0.000085%; no homozygotes.

Submissions (2):

St. Jude Molecular Pathology, St. Jude Children's Research Hospital
Classification: Uncertain significance for Platelet-type bleeding disorder 15. Last evaluated: 2026-02-11. Review status: criteria provided, single submitter. Criteria: St. Jude Assertion Criteria 2020. Collection method: clinical testing. Allele origin: germline.
Comment: The ACTN1 c.2649C>G p.(Ile883Met) missense change is absent in gnomAD v2.1.1. The in silico tool REVEL predicts a benign effect on protein function, but to our knowledge this prediction has not been confirmed by functional studies. To our knowledge, this variant has not been reported in individuals with ACTN1-related thrombocytopenia. In summary, the evidence currently available is insufficient to determine the clinical significance of this variant. It has therefore been classified as of uncertain significance.

Labcorp Genetics (formerly Invitae), Labcorp
Classification: Uncertain significance. Last evaluated: 2024-05-27. Review status: criteria provided, single submitter. Criteria: Invitae Variant Classification Sherloc (09022015). Collection method: clinical testing. Allele origin: germline.
Comment: This sequence change replaces isoleucine, which is neutral and non-polar, with methionine, which is neutral and non-polar, at codon 883 of the ACTN1 protein (p.Ile883Met). This variant is not present in population databases (gnomAD no frequency). This variant has not been reported in the literature in individuals affected with ACTN1-related conditions. An algorithm developed to predict the effect of missense changes on protein structure and function (PolyPhen-2) suggests that this variant is likely to be disruptive. In summary, the available evidence is currently insufficient to determine the role of this variant in disease. Therefore, it has been classified as a Variant of Uncertain Significance.